The following is an entry in ClinVar:

NM_015557.3(CHD5):c.840dup (p.Ile281fs)

Gene: CHD5 (chromodomain helicase DNA binding protein 5; minus strand). Cytogenetic location: 1p36.31.
Variant type: Duplication.
Coding change: c.840dup on transcript NM_015557.3 (MANE Select); coding-DNA position 840, one base duplicated (G; older notation c.840dupG).
Protein change: p.Ile281fs; shifts the reading frame from isoleucine 281.
Molecular consequence: frameshift variant.
Genome position (GRCh38, 1-based): chr1:6,152,442, C duplicated on the plus strand (G on the coding strand, the reverse complement: CHD5 is on the minus strand); the first of 6 consecutive C bases (chr1:6,152,442-6,152,447); duplicating any one gives the same sequence. VCF-style (leftmost placement, unchanged base first): chr1-6152441-T-TC. GRCh37 (hg19) VCF-style: chr1-6212501-T-TC.
Other names: short protein forms I281fs.
Identifiers: ClinVar variation 4813049 (VCV004813049.1).

ClinVar aggregate classification (germline): Likely pathogenic (1 of 4 stars; one submission).

Conditions:
Parenti-mignot neurodevelopmental syndrome. Identifiers: MedGen C5676984, MONDO:0859249, OMIM 619873.

Submission:

Variantyx, Inc.
Classification: Likely pathogenic for Parenti-mignot neurodevelopmental syndrome. Last evaluated: 2025-07-18. Review status: criteria provided, single submitter. Criteria: Variantyx Assertion Criteria 2022. Collection method: clinical testing. Allele origin: germline. Inheritance: Autosomal dominant inheritance. Affected: yes.
Comment: This is a frameshift variant in the CHD5 gene (OMIM: 610771). Pathogenic variants in this gene have been associated with autosomal dominant Parenti-Mignot neurodevelopmental syndrome. This variant introduces a premature termination codon in exon 6 out of 42. It is expected to result in loss of function, which is a known disease mechanism for CHD5 in this disorder (PMID: 33944996) (PVS1). This variant has a 0.0003% maximum allele frequency in non-founder control populations (PM2). It has not been reported in individuals with CHD5-related disorders in the databases available for review. Based on the current evidence, this variant is classified as likely pathogenic for autosomal dominant Parenti-Mignot neurodevelopmental syndrome.

Literature cited by the submitters: PubMed 33944996.